The following is an entry in ClinVar:

ClinVar aggregate classification (germline): Uncertain significance (1 of 4 stars; one submission).

Conditions:
Hereditary cancer-predisposing syndrome. Also called: Hereditary Cancer Syndrome; Tumor predisposition; Hereditary neoplastic syndrome; Neoplastic Syndromes, Hereditary. Identifiers: Orphanet 140162, MedGen C0027672, MeSH D009386, MONDO:0015356.

gnomAD v4.1: 1 of 1,613,824 alleles (0.000062%); highest among the groups gnomAD compares: Non-Finnish European, 0.000085%; no homozygotes.

Submission:

Ambry Genetics
Classification: Uncertain significance for Hereditary cancer-predisposing syndrome. Last evaluated: 2024-06-03. Review status: criteria provided, single submitter. Criteria: Ambry Variant Classification Scheme 2023. Collection method: clinical testing. Allele origin: germline.
Comment: The p.Q1127L variant (also known as c.3380A>T), located in coding exon 17 of the BLM gene, results from an A to T substitution at nucleotide position 3380. The glutamine at codon 1127 is replaced by leucine, an amino acid with dissimilar properties. This amino acid position is conserved. In addition, the in silico prediction for this alteration is inconclusive. Based on the available evidence, the clinical significance of this variant remains unclear.

NM_000057.4(BLM):c.3380A>T (p.Gln1127Leu)

Gene: BLM (BLM RecQ like helicase; plus strand). Cytogenetic location: 15q26.1.
Variant type: single nucleotide variant.
Coding change: c.3380A>T on transcript NM_000057.4 (MANE Select); coding-DNA position 3380, A replaced by T.
Protein change: p.Gln1127Leu; replaces glutamine 1127 with leucine.
Molecular consequence: missense variant. On other transcripts: intron variant (1).
Genome position (GRCh38, 1-based): chr15:90,803,542, A>T. VCF-style: chr15-90803542-A-T. GRCh37 (hg19) VCF-style: chr15-91346772-A-T.
Other names: c.3380A>T, p.Gln1127Leu (NM_001287246.2); c.2255A>T, p.Gln752Leu (NM_001287248.2); c.3358+5205A>T (NM_001287247.2); short protein forms Q1127L, Q752L.
Identifiers: ClinVar variation 3261002 (VCV003261002.1).
Genomic context (GRCh38, chr15:90,803,542, plus strand): 5'-GTACATTTACTCATCTTACTTCCTGTATCTTCTTATCAGGGAGTAAGAGTGCAAAAATCC[A>T]GTCAGGTATATTTGGAAAAGGATCTGCTTATTCACGACACAATGCCGAAAGACTTTTTAA-3'
Protein context (NP_000048.1, residues 1117-1137): IFLGSKSAKI[Gln1127Leu]SGIFGKGSAY